The following is an entry in ClinVar:

ClinVar aggregate classification (germline): Conflicting classifications of pathogenicity. Review status: criteria provided, conflicting classifications (1 of 4 stars). 3 submissions from 3 submitters: Uncertain significance (2); Likely benign (1). Last evaluated 2025-05-15.

Conditions:
Hereditary cancer-predisposing syndrome. Also called: Hereditary neoplastic syndrome; Neoplastic Syndromes, Hereditary; Tumor predisposition; Hereditary Cancer Syndrome. Identifiers: Orphanet 140162, MedGen C0027672, MeSH D009386, MONDO:0015356.
Hereditary breast ovarian cancer syndrome. Also called: Hereditary breast and ovarian cancer syndrome (HBOC); Breast and ovarian cancer; Hereditary breast and/or ovarian cancer syndrome; BRCA1- and BRCA2-Associated Hereditary Breast and Ovarian Cancer; Hereditary breast and ovarian cancer syndrome; Hereditary breast and ovarian cancer. Identifiers: Orphanet 145, MedGen C0677776, MeSH D061325, MONDO:0003582. Disease mechanism: loss of function.

Allele frequency attached by ClinVar (database versions not stated): TOPMed below 0.00001.

Submissions (3):

Ambry Genetics
Classification: Likely benign for Hereditary cancer-predisposing syndrome. Last evaluated: 2025-05-15. Review status: criteria provided, single submitter. Criteria: Ambry Variant Classification Scheme 2023. Collection method: clinical testing. Allele origin: germline.

Color Diagnostics, LLC DBA Color Health
Classification: Uncertain significance for Hereditary cancer-predisposing syndrome. Last evaluated: 2024-11-25. Review status: criteria provided, single submitter. Criteria: ACMG Guidelines, 2015. Collection method: clinical testing. Allele origin: germline.
Comment: This missense variant replaces glutamic acid with aspartic acid at codon 2848 of the BRCA2 protein. Computational prediction suggests that this variant may not impact protein structure and function (internally defined REVEL score threshold <= 0.5, PMID: 27666373). To our knowledge, functional studies have not been reported for this variant. This variant has not been reported in individuals affected with BRCA2-related disorders in the literature. This variant has not been identified in the general population by the Genome Aggregation Database (gnomAD). The available evidence is insufficient to determine the role of this variant in disease conclusively. Therefore, this variant is classified as a Variant of Uncertain Significance.

Labcorp Genetics (formerly Invitae), Labcorp
Classification: Uncertain significance for Hereditary breast ovarian cancer syndrome. Last evaluated: 2022-11-18. Review status: criteria provided, single submitter. Criteria: Invitae Variant Classification Sherloc (09022015). Collection method: clinical testing. Allele origin: germline.
Comment: This sequence change replaces glutamic acid, which is acidic and polar, with aspartic acid, which is acidic and polar, at codon 2848 of the BRCA2 protein (p.Glu2848Asp). In summary, the available evidence is currently insufficient to determine the role of this variant in disease. Therefore, it has been classified as a Variant of Uncertain Significance. Advanced modeling of protein sequence and biophysical properties (such as structural, functional, and spatial information, amino acid conservation, physicochemical variation, residue mobility, and thermodynamic stability) performed at Invitae indicates that this missense variant is not expected to disrupt BRCA2 protein function. ClinVar contains an entry for this variant (Variation ID: 185018). This variant has not been reported in the literature in individuals affected with BRCA2-related conditions. This variant is not present in population databases (gnomAD no frequency).

NM_000059.4(BRCA2):c.8544A>T (p.Glu2848Asp)

Gene: BRCA2 (BRCA2 DNA repair associated; plus strand). Cytogenetic location: 13q13.1.
Variant type: single nucleotide variant.
Coding change: c.8544A>T on transcript NM_000059.4 (MANE Select); coding-DNA position 8544, A replaced by T.
Protein change: p.Glu2848Asp; replaces glutamic acid 2848 with aspartic acid.
Molecular consequence: missense variant.
Genome position (GRCh38, 1-based): chr13:32,371,012, A>T. VCF-style: chr13-32371012-A-T. GRCh37 (hg19) VCF-style: chr13-32945149-A-T.
Other names: short protein forms E2848D.
Identifiers: ClinVar variation 185018 (VCV000185018.16), dbSNP rs786201871, ClinGen allele CA025702.